The following is an entry in ClinVar:

ClinVar aggregate classification (germline): Uncertain significance (1 of 4 stars; one submission).

Submission:

GeneDx
Classification: Uncertain significance. Last evaluated: 2023-10-22. Review status: criteria provided, single submitter. Criteria: GeneDx Variant Classification Process June 2021. Collection method: clinical testing. Allele origin: germline. Affected: yes.
Comment: In silico analysis supports that this missense variant has a deleterious effect on protein structure/function; Has not been previously published as pathogenic or benign to our knowledge

NM_001080421.3(UNC13A):c.3725C>T (p.Ser1242Phe)

Gene: UNC13A (unc-13 homolog A; minus strand). Cytogenetic location: 19p13.11.
Variant type: single nucleotide variant.
Coding change: c.3725C>T on transcript NM_001080421.3 (MANE Select); coding-DNA position 3725, C replaced by T.
Protein change: p.Ser1242Phe; replaces serine 1242 with phenylalanine.
Molecular consequence: missense variant.
Genome position (GRCh38, 1-based): chr19:17,629,268, G>A on the plus strand (C>T on the coding strand, the complement: UNC13A is on the minus strand). VCF-style: chr19-17629268-G-A. GRCh37 (hg19) VCF-style: chr19-17740077-G-A.
Other names: c.3719C>T, p.Ser1240Phe (NM_001387021.1, NM_001387022.1, NM_001387023.1); short protein forms S1240F, S1242F.
Identifiers: ClinVar variation 3366080 (VCV003366080.1).